The following is an entry in ClinVar:

NM_000287.4(PEX6):c.1130+1G>T

Gene: PEX6 (peroxisomal biogenesis factor 6; minus strand). Cytogenetic location: 6p21.1.
Variant type: single nucleotide variant.
Coding change: c.1130+1G>T on transcript NM_000287.4 (MANE Select); the canonical splice donor site of the intron after coding-DNA position 1130, G replaced by T.
Molecular consequence: splice donor variant.
Genome position (GRCh38, 1-based): chr6:42,974,002, C>A on the plus strand (G>T on the coding strand, the complement: PEX6 is on the minus strand). VCF-style: chr6-42974002-C-A. GRCh37 (hg19) VCF-style: chr6-42941740-C-A.
Other names: c.866+1G>T (NM_001316313.2).
Identifiers: ClinVar variation 1395809 (VCV001395809.6), dbSNP rs267608213, ClinGen allele CA364157940.

ClinVar aggregate classification (germline): Uncertain significance (1 of 4 stars; one submission).

Conditions:
Peroxisome biogenesis disorder. Identifiers: Orphanet 79189, MedGen C1832200, MONDO:0019234. Disease mechanism: loss of function.

Submission:

Labcorp Genetics (formerly Invitae), Labcorp
Classification: Uncertain significance for Peroxisome biogenesis disorder. Last evaluated: 2024-10-24. Review status: criteria provided, single submitter. Criteria: Invitae Variant Classification Sherloc (09022015). Collection method: clinical testing. Allele origin: germline.
Comment: This sequence change affects a donor splice site in intron 3 of the PEX6 gene. RNA analysis indicates that disruption of this splice site induces altered splicing and likely results in a shortened protein product. This variant is not present in population databases (gnomAD no frequency). Disruption of this splice site has been observed in individual(s) with clinical features of PEX6-related conditions (PMID: 8940266, 31884617). ClinVar contains an entry for this variant (Variation ID: 1395809). Studies have shown that disruption of this splice site results in skipping of exon 3, but is expected to preserve the integrity of the reading-frame (PMID: 8940266). In summary, the available evidence is currently insufficient to determine the role of this variant in disease. Therefore, it has been classified as a Variant of Uncertain Significance.

Literature cited by the submitters: PubMed 8940266; PubMed 31884617.